The following is an entry in ClinVar:

NM_001354604.2(MITF):c.1032-3C>T

Gene: MITF (melanocyte inducing transcription factor; plus strand). Cytogenetic location: 3p13.
Variant type: single nucleotide variant.
Coding change: c.1032-3C>T on transcript NM_001354604.2 (MANE Select); 3 bases into the intron before coding-DNA position 1032, C replaced by T.
Molecular consequence: intron variant.
Genome position (GRCh38, 1-based): chr3:69,959,270, C>T. VCF-style: chr3-69959270-C-T. GRCh37 (hg19) VCF-style: chr3-70008421-C-T.
Other names: c.963-3C>T (NM_001354607.2); c.858-3C>T (NM_001354608.2, NM_001184967.2); c.1014-3C>T (NM_198159.3); c.1029-3C>T (NM_001354605.2); c.1011-3C>T (NM_001354606.2, NM_006722.3); c.966-3C>T (NM_198177.3); c.711-3C>T (NM_000248.4); c.693-3C>T (NM_198158.3); and 1 more.
Identifiers: ClinVar variation 4792962 (VCV004792962.1).

ClinVar aggregate classification (germline): Uncertain significance (1 of 4 stars; one submission).

Conditions:
Tietz syndrome (TADS). Also called: TIETZ ALBINISM-DEAFNESS SYNDROME; HYPOPIGMENTATION/DEAFNESS OF TIETZ; ALBINISM-DEAFNESS OF TIETZ. Identifiers: Orphanet 42665, MedGen C0391816, MONDO:0007077, OMIM 103500.
Melanoma, cutaneous malignant, susceptibility to, 8. Also called: MELANOMA AND RENAL CELL CARCINOMA, SUSCEPTIBILITY TO; Cutaneous malignant melanoma 8. Identifiers: Orphanet 293822, MedGen C3152204, MONDO:0013759, OMIM 614456.
Waardenburg syndrome type 2A (WS2A). Also called: WAARDENBURG SYNDROME WITHOUT DYSTOPIA CANTHORUM. Identifiers: Orphanet 3440, MedGen C1860339, MONDO:0008671, OMIM 193510.

Submission:

Labcorp Genetics (formerly Invitae), Labcorp
Classification: Uncertain significance for Melanoma, cutaneous malignant, susceptibility to, 8; Waardenburg syndrome type 2A; Tietz syndrome. Last evaluated: 2025-11-14. Review status: criteria provided, single submitter. Criteria: Invitae Variant Classification Sherloc (09022015). Collection method: clinical testing. Allele origin: germline.
Comment: This sequence change falls in intron 7 of the MITF gene. It does not directly change the encoded amino acid sequence of the MITF protein. It affects a nucleotide within the consensus splice site. This variant is not present in population databases (gnomAD no frequency). This variant has not been reported in the literature in individuals affected with MITF-related conditions. Variants that disrupt the consensus splice site are a relatively common cause of aberrant splicing (PMID: 17576681, 9536098). Algorithms developed to predict the effect of sequence changes on RNA splicing suggest that this variant is not likely to affect RNA splicing. In summary, the available evidence is currently insufficient to determine the role of this variant in disease. Therefore, it has been classified as a Variant of Uncertain Significance.

Literature cited by the submitters: PubMed 17576681; PubMed 9536098.